The following is an entry in ClinVar:

ClinVar aggregate classification (germline): Uncertain significance (1 of 4 stars; one submission).

Conditions:
Hereditary cancer-predisposing syndrome. Also called: Hereditary Cancer Syndrome; Hereditary neoplastic syndrome; Tumor predisposition; Neoplastic Syndromes, Hereditary. Identifiers: Orphanet 140162, MedGen C0027672, MeSH D009386, MONDO:0015356.
Cardiovascular phenotype. Identifiers: MedGen CN230736.

Allele frequency attached by ClinVar (database versions not stated): gnomAD exomes below 0.00001.

Submission:

Ambry Genetics
Classification: Uncertain significance for Cardiovascular phenotype; Hereditary cancer-predisposing syndrome. Last evaluated: 2025-10-15. Review status: criteria provided, single submitter. Criteria: Ambry Variant Classification Scheme 2023. Collection method: clinical testing. Allele origin: germline.
Comment: The p.K805* variant (also known as c.2413A>T), located in coding exon 21 of the LZTR1 gene, results from an A to T substitution at nucleotide position 2413. This alteration occurs at the 3' terminus of theLZTR1 gene, is not expected to trigger nonsense-mediated mRNAdecay, and impacts the last 4.3% of the protein. The exact functional effect of this alteration is unknown. Based on the available evidence, the clinical significance of this variant remains unclear.

NM_006767.4(LZTR1):c.2413A>T (p.Lys805Ter)

Gene: LZTR1 (leucine zipper like post translational regulator 1; plus strand). Cytogenetic location: 22q11.21.
Variant type: single nucleotide variant.
Coding change: c.2413A>T on transcript NM_006767.4 (MANE Select); coding-DNA position 2413, A replaced by T.
Protein change: p.Lys805Ter; replaces lysine 805 with a stop codon.
Molecular consequence: nonsense.
Genome position (GRCh38, 1-based): chr22:20,997,238, A>T. VCF-style: chr22-20997238-A-T. GRCh37 (hg19) VCF-style: chr22-21351527-A-T.
Other names: short protein forms K805*.
Identifiers: ClinVar variation 1790914 (VCV001790914.3), dbSNP rs2518626601, ClinGen allele CA410781480.